The following is an entry in ClinVar:

ClinVar aggregate classification (germline): Uncertain significance. Review status: criteria provided, multiple submitters, no conflicts (2 of 4 stars). 3 submissions from 3 submitters: Uncertain significance (3). Last evaluated 2023-07-10.

Conditions:
Fanconi anemia complementation group B (FANCB). Also called: FANCONI PANCYTOPENIA, TYPE 2; FANCB-Related Fanconi Anemia. Identifiers: Orphanet 84, MedGen C1845292, MONDO:0010351, OMIM 300514.
Fanconi anemia (FA). Also called: Fanconi's anemia. Identifiers: Orphanet 84, MedGen C0015625, MeSH D005199, MONDO:0019391.

gnomAD v4.1: 1 of 1,203,697 alleles (0.000083%); no homozygotes.

Submissions (3):

Labcorp Genetics (formerly Invitae), Labcorp
Classification: Uncertain significance for Fanconi anemia. Last evaluated: 2023-07-10. Review status: criteria provided, single submitter. Criteria: Invitae Variant Classification Sherloc (09022015). Collection method: clinical testing. Allele origin: germline.
Comment: In summary, the available evidence is currently insufficient to determine the role of this variant in disease. Therefore, it has been classified as a Variant of Uncertain Significance. Advanced modeling of protein sequence and biophysical properties (such as structural, functional, and spatial information, amino acid conservation, physicochemical variation, residue mobility, and thermodynamic stability) performed at Invitae indicates that this missense variant is not expected to disrupt FANCB protein function. ClinVar contains an entry for this variant (Variation ID: 982707). This variant has not been reported in the literature in individuals affected with FANCB-related conditions. This variant is not present in population databases (gnomAD no frequency). This sequence change replaces serine, which is neutral and polar, with arginine, which is basic and polar, at codon 486 of the FANCB protein (p.Ser486Arg).

Clinical Genetics Laboratory, Skane University Hospital Lund
Classification: Uncertain significance. Last evaluated: 2022-05-27. Review status: criteria provided, single submitter. Criteria: ACMG Guidelines, 2015. Collection method: clinical testing. Allele origin: germline. Affected: yes.

Institute of Human Genetics, University of Leipzig Medical Center
Classification: Uncertain significance for Fanconi anemia complementation group B. Last evaluated: 2019-01-01. Review status: criteria provided, single submitter. Criteria: ACMG Guidelines, 2015. Collection method: clinical testing. Allele origin: unknown. Affected: yes.

NM_001018113.3(FANCB):c.1458C>G (p.Ser486Arg)

Gene: FANCB (FA complementation group B; minus strand). Cytogenetic location: Xp22.2.
Variant type: single nucleotide variant.
Coding change: c.1458C>G on transcript NM_001018113.3 (MANE Select); coding-DNA position 1458, C replaced by G.
Protein change: p.Ser486Arg; replaces serine 486 with arginine.
Molecular consequence: missense variant.
Genome position (GRCh38, 1-based): chrX:14,850,543, G>C on the plus strand (C>G on the coding strand, the complement: FANCB is on the minus strand). VCF-style: chrX-14850543-G-C. GRCh37 (hg19) VCF-style: chrX-14868665-G-C.
Other names: c.1458C>G, p.Ser486Arg (NM_001324162.2, NM_152633.4); short protein forms S486R.
Identifiers: ClinVar variation 982707 (VCV000982707.5), dbSNP rs2092396657, ClinGen allele CA412441915.